The following is an entry in ClinVar:

NM_015072.5(TTLL5):c.1281+9A>C

Gene: TTLL5 (tubulin tyrosine ligase like 5; plus strand). Cytogenetic location: 14q24.3.
Variant type: single nucleotide variant.
Coding change: c.1281+9A>C on transcript NM_015072.5 (MANE Select); 9 bases into the intron after coding-DNA position 1281, A replaced by C.
Molecular consequence: intron variant.
Genome position (GRCh38, 1-based): chr14:75,735,298, A>C. VCF-style: chr14-75735298-A-C. GRCh37 (hg19) VCF-style: chr14-76201641-A-C.
Identifiers: ClinVar variation 4977274 (VCV004977274.1).
Genomic context (GRCh38, chr14:75,735,298, plus strand): 5'-AATTTATCCCACCTTTGAGTCTTCCAGGCGAAACCCTTTCCAGAAACCTCAGGTAAGCCA[A>C]TTCCACAGCAGGGAGCCTGAAGGAGGCTTACTGGGAAGTGGCGGCTGATGTAACTGTGGG-3'

ClinVar aggregate classification (germline): Likely benign (1 of 4 stars; one submission).

Conditions:
TTLL5-related disorder. Also called: TTLL5-related condition.

gnomAD v4.1: 5 of 1,613,948 alleles (0.00031%); highest among the groups gnomAD compares: Admixed American, 0.0083%; no homozygotes.

Submission:

PreventionGenetics, part of Exact Sciences
Classification: Likely benign for TTLL5-related condition. Last evaluated: 2025-07-17. Review status: criteria provided, single submitter. Criteria: ACMG Guidelines, 2015. Collection method: clinical testing. Allele origin: germline.
Comment: This variant is classified as likely benign based on ACMG/AMP sequence variant interpretation guidelines (Richards et al. 2015 PMID: 25741868, with internal and published modifications).